The following is an entry in ClinVar:

ClinVar aggregate classification (germline): Uncertain significance. Review status: criteria provided, multiple submitters, no conflicts (2 of 4 stars). 8 submissions from 8 submitters: Uncertain significance (7). 1 of the submissions does not count toward it. Last evaluated 2024-10-24.

Conditions:
Polycystic kidney disease, adult type (PKD1). Also called: Polycystic Kidney, Autosomal Dominant; POLYCYSTIC KIDNEY DISEASE, ADULT, TYPE I; Polycystic Kidney Disease 1, Autosomal Dominant; Polycystic kidney disease 1; Polycystic kidney disease 1, severe; POLYCYSTIC KIDNEY DISEASE 1 WITH OR WITHOUT POLYCYSTIC LIVER DISEASE. Identifiers: MedGen C3149841, MONDO:0008263, OMIM 173900.
PKD1-related disorder. Also called: PKD1-related condition.

Allele frequency attached by ClinVar (database versions not stated): gnomAD 0.00036 and 0.00040; TOPMed 0.00039; gnomAD exomes 0.00070 and 0.00077.
gnomAD v4.1: 837 of 1,260,028 alleles (0.066%); highest among the groups gnomAD compares: Non-Finnish European, 0.078%; 3 homozygotes.

Submissions (8):

Blueprint Genetics
Classification: Uncertain significance. Last evaluated: 2024-10-24. Review status: criteria provided, single submitter. Criteria: ACMG Guidelines, 2015. Collection method: clinical testing. Allele origin: germline.

Mayo Clinic Laboratories, Mayo Clinic
Classification: Uncertain significance. Last evaluated: 2024-07-03. Review status: criteria provided, single submitter. Criteria: ACMG Guidelines, 2015. Collection method: clinical testing. Allele origin: germline. Observed: 1 variant allele.
Comment: BS1, PP3, PS4_moderate

Pittsburgh Clinical Genomics Laboratory, University of Pittsburgh Medical Center
Classification: Uncertain significance for Polycystic kidney disease, adult type. Last evaluated: 2023-07-24. Review status: criteria provided, single submitter. Criteria: ACMG Guidelines, 2015. Collection method: clinical testing. Allele origin: germline. Inheritance: Autosomal dominant inheritance. Affected: yes.
Comment: This sequence variant is a single nucleotide substitution (G>A) at position 11675 of the coding sequence of the PKD1 gene that results in an arginine to histidine amino acid change at residue 3892 of the PKD1 protein. This is a previously reported variant (ClinVar 1256435) that has been observed as heterozygous or compound heterozygous in individuals with polycystic kidney disease (PMID: 33168999, 26139440, 23300259). This variant is present in 17 of 37712 alleles (0.0451%) in the gnomAD population dataset. Multiple bioinformatic tools predict that this arginine to histidine amino acid change would be damaging, and the Arg3892 residue at this position is highly conserved across the vertebrate species examined. Studies examining the functiol consequence of this variant have not been performed, to our knowledge. At this time, there is insufficient evidence to determine if this variant is pathogenic or benign. Therefore, we consider this a variant of uncertain significance. ACMG Criteria: PM2, PP3

Department of Pathology and Laboratory Medicine, Sinai Health System
Classification: Uncertain significance for Polycystic kidney disease, adult type. Last evaluated: 2022-11-10. Review status: criteria provided, single submitter. Criteria: ACMG Guidelines, 2015. Collection method: clinical testing. Allele origin: germline. Affected: yes.

Fulgent Genetics
Classification: Uncertain significance for Polycystic kidney disease, adult type. Last evaluated: 2022-04-27. Review status: criteria provided, single submitter. Criteria: ACMG Guidelines, 2015. Collection method: clinical testing. Allele origin: unknown.

Women's Health and Genetics/Laboratory Corporation of America, LabCorp
Classification: Uncertain significance. Last evaluated: 2022-04-14. Review status: criteria provided, single submitter. Criteria: LabCorp Variant Classification Summary - May 2015. Collection method: clinical testing. Allele origin: germline.
Comment: Variant summary: PKD1 c.11675G>A (p.Arg3892His) results in a non-conservative amino acid change located in the Polycystin cation channel (PKD1/PKD2) domain (IPR013122) of the encoded protein sequence. Three of five in-silico tools predict a damaging effect of the variant on protein function. The variant allele was found at a frequency of 0.00037 (54 heterozygotes) in 147232 control chromosomes (gnomAD v3.1, genomes dataset). The high number of heterozygous carriers argues against a fully penetrant autosomal dominant disease association for the variant. The variant, c.11675G>A, has been reported in the literature in at least two adult individuals affected with polycystic kidney disease, however without supportive evidence for causality (Neumann_2013, Audrezet_2016). In addition, the variant was also reported in early onset polycystic kidney disease, together with other variants, therefore the authors of this study proposed hypomorphic role for this variant, with a potential biallelic or digenic inheritance (Durkie_2020). To our knowledge, no experimental evidence demonstrating an impact on protein function has been reported. One clinical diagnostic laboratory has submitted clinical-significance assessments for this variant to ClinVar after 2014 without evidence for independent evaluation, and classified the variant as uncertain significance. Based on the evidence outlined above, the variant was classified as uncertain significance.

Athena Diagnostics
Classification: Uncertain significance. Last evaluated: 2021-03-09. Review status: criteria provided, single submitter. Criteria: Athena Diagnostics criteria. Collection method: clinical testing. Allele origin: unknown.

PreventionGenetics, part of Exact Sciences
Classification: Uncertain significance for PKD1-related condition. Last evaluated: 2024-05-29. Review status: no assertion criteria provided. Collection method: clinical testing. Allele origin: germline. Not counted in ClinVar's aggregate classification.
Comment: The PKD1 c.11675G>A variant is predicted to result in the amino acid substitution p.Arg3892His. This variant was previously reported in one patient with polycystic kidney disease (PKD), but no functional or genetic studies were performed to help assess the pathogenicity of this variant (Neumann et al. 2013. PubMed ID: 23300259). This variant along with a truncating variant in the PKD2 gene was reported in one case with very early onset PKD; and in the second case with very early onset PKD, this variant was reported in the compound heterozygous state with another PKD1 variant, suggesting this variant could be a hypomorphic allele. By itself, this type of variant may cause no disease or only relatively mild disease. However, in combination with other pathogenic variants, it may contribute to disease severity (Durkie et al. 2021. PubMed ID: 33168999). This variant is reported in 0.096% of alleles in individuals of Ashkenazi Jewish descent in gnomAD. At this time, the clinical significance of this variant is uncertain due to the absence of conclusive functional and genetic evidence.

Literature cited by the submitters: PubMed 23300259 (cited by 4 submitters); PubMed 26139440 (cited by 4 submitters); PubMed 30293987 (cited by Mayo Clinic Laboratories, Mayo Clinic and Women's Health and Genetics/Laboratory Corporation of America, LabCorp); PubMed 33168999 (cited by 4 submitters); PubMed 37372410 (cited by Mayo Clinic Laboratories, Mayo Clinic).

NM_001009944.3(PKD1):c.11675G>A (p.Arg3892His)

Genes: PKD1 (polycystin 1, transient receptor potential channel interacting; minus strand), PKD1-AS1 (PKD1 antisense RNA 1; plus strand). Cytogenetic location: 16p13.3.
Variant type: single nucleotide variant.
Coding change: c.11675G>A on transcript NM_001009944.3 (MANE Select); coding-DNA position 11675, G replaced by A.
Protein change: p.Arg3892His; replaces arginine 3892 with histidine.
Molecular consequence: missense variant. On other transcripts: non-coding transcript variant (1).
Genome position (GRCh38, 1-based): chr16:2,091,460, C>T on the plus strand (G>A on the coding strand, the complement: PKD1 is on the minus strand). VCF-style: chr16-2091460-C-T. GRCh37 (hg19) VCF-style: chr16-2141461-C-T.
Other names: p.Arg3892His; c.11672G>A, p.Arg3891His (NM_000296.4); short protein forms R3891H, R3892H.
Identifiers: ClinVar variation 1256435 (VCV001256435.8), dbSNP rs748887038, ClinGen allele CA7829016.
Genomic context (GRCh38, chr16:2,091,460, plus strand): 5'-GGTCTGGCCGGGGACGGGCGTACCGAGGTGAGCAGAGGCAGCGAGAGGCCCGCGCTGAGG[C>T]GGCGCAGCGCAAAGGGGCGGACGCTGAGGGCGGCCAGGGCGCGGCCGGCCGCCGGGAACT-3'
Protein context (NP_001009944.3, residues 3882-3902): ALSVRPFALR[Arg3892His]LSAGLSLPLL